The following is an entry in ClinVar:

NM_001903.5(CTNNA1):c.2678C>T (p.Pro893Leu)

Gene: CTNNA1 (catenin alpha 1; plus strand). Cytogenetic location: 5q31.2.
Variant type: single nucleotide variant.
Coding change: c.2678C>T on transcript NM_001903.5 (MANE Select); coding-DNA position 2678, C replaced by T.
Protein change: p.Pro893Leu; replaces proline 893 with leucine.
Molecular consequence: missense variant. On other transcripts: 3 prime UTR variant (5).
Genome position (GRCh38, 1-based): chr5:138,934,046, C>T. VCF-style: chr5-138934046-C-T. GRCh37 (hg19) VCF-style: chr5-138269735-C-T.
Other names: c.*223C>T (NM_001290307.3, NM_001324002.1, NM_001324003.1 and 2 more transcripts); c.2369C>T, p.Pro790Leu (NM_001290309.3); c.2309C>T, p.Pro770Leu (NM_001290310.3); c.1568C>T, p.Pro523Leu (NM_001290312.1, NM_001323987.1, NM_001323988.1 and 12 more transcripts); c.2678C>T, p.Pro893Leu (NM_001323982.2, NM_001323983.1, NM_001323984.2); c.2651C>T, p.Pro884Leu (NM_001323985.2); c.2585C>T, p.Pro862Leu (NM_001323986.2); c.1433C>T, p.Pro478Leu (NM_001324001.1); and 4 more; short protein forms P410L, P442L, P492L, P523L, P862L, P884L, P478L, P790L.
Identifiers: ClinVar variation 661849 (VCV000661849.11), dbSNP rs973328870, ClinGen allele CA128225626.
Genomic context (GRCh38, chr5:138,934,046, plus strand): 5'-AGAAACAGGATGAGACACAGACCAAGATTAAACGGGCATCTCAGAAGAAGCACGTGAACC[C>T]GGTGCAGGCCCTCAGCGAGTTCAAAGCTATGGACAGCATCTAAGTCTGCCCAGGCCGGCC-3'
Protein context (NP_001894.2, residues 883-903): KRASQKKHVN[Pro893Leu]VQALSEFKAM

ClinVar aggregate classification (germline): Conflicting classifications of pathogenicity. Review status: criteria provided, conflicting classifications (1 of 4 stars). 3 submissions from 3 submitters: Uncertain significance (2); Likely benign (1). Last evaluated 2026-01-15.

Conditions:
Hereditary cancer-predisposing syndrome. Also called: Neoplastic Syndromes, Hereditary; Hereditary Cancer Syndrome; Tumor predisposition; Hereditary neoplastic syndrome. Identifiers: Orphanet 140162, MedGen C0027672, MeSH D009386, MONDO:0015356.

Allele frequency attached by ClinVar (database versions not stated): gnomAD exomes 0.00001 and 0.00002; TOPMed 0.00003.
gnomAD v4.1: 13 of 1,613,676 alleles (0.00081%); highest among the groups gnomAD compares: Admixed American, 0.0083%; no homozygotes.

Submissions (3):

Labcorp Genetics (formerly Invitae), Labcorp
Classification: Uncertain significance. Last evaluated: 2026-01-15. Review status: criteria provided, single submitter. Criteria: Invitae Variant Classification Sherloc (09022015). Collection method: clinical testing. Allele origin: germline.
Comment: This sequence change replaces proline, which is neutral and non-polar, with leucine, which is neutral and non-polar, at codon 893 of the CTNNA1 protein (p.Pro893Leu). This variant is present in population databases (no rsID available, gnomAD 0.01%). This missense change has been observed in individual(s) with retinopathy (PMID: 33497368). ClinVar contains an entry for this variant (Variation ID: 661849). Invitae Evidence Modeling of protein sequence and biophysical properties (such as structural, functional, and spatial information, amino acid conservation, physicochemical variation, residue mobility, and thermodynamic stability) indicates that this missense variant is expected to disrupt CTNNA1 protein function with a positive predictive value of 80%. Experimental studies have shown that this missense change affects CTNNA1 function (PMID: 33497368). In summary, the available evidence is currently insufficient to determine the role of this variant in disease. Therefore, it has been classified as a Variant of Uncertain Significance.

Blueprint Genetics
Classification: Uncertain significance. Last evaluated: 2024-02-08. Review status: criteria provided, single submitter. Criteria: ACMG Guidelines, 2015. Collection method: clinical testing. Allele origin: germline.

Ambry Genetics
Classification: Likely benign for Hereditary cancer-predisposing syndrome. Last evaluated: 2023-07-11. Review status: criteria provided, single submitter. Criteria: Ambry Variant Classification Scheme 2023. Collection method: clinical testing. Allele origin: germline.

Literature cited by the submitters: PubMed 33497368 (cited by Labcorp Genetics (formerly Invitae), Labcorp).